The following is an entry in ClinVar:

NM_001077446.4(TSEN34):c.629C>G (p.Pro210Arg)

Gene: TSEN34 (tRNA splicing endonuclease subunit 34; plus strand). Cytogenetic location: 19q13.42.
Variant type: single nucleotide variant.
Coding change: c.629C>G on transcript NM_001077446.4 (MANE Select); coding-DNA position 629, C replaced by G.
Protein change: p.Pro210Arg; replaces proline 210 with arginine.
Molecular consequence: missense variant.
Genome position (GRCh38, 1-based): chr19:54,192,257, C>G. VCF-style: chr19-54192257-C-G. GRCh37 (hg19) VCF-style: chr19-54696108-C-G.
Other names: c.629C>G, p.Pro210Arg (NM_001282332.2, NM_001282333.2, NM_001386740.1 and 1 more transcripts); short protein forms P210R.
Identifiers: ClinVar variation 2783415 (VCV002783415.3), dbSNP rs2076736869, ClinGen allele CA407764121.
Genomic context (GRCh38, chr19:54,192,257, plus strand): 5'-CCAGGCCTCGACCGGTCAAGGCCAGGCCCCTGGACTGGCGTGTCCAGTCTAAAGACTGGC[C>G]CCACGCCGGCCGCCCTGCCCACGAGCTGCGCTACAGTATCTACAGAGACCTGTGGGAGCG-3'
Protein context (NP_001070914.1, residues 200-220): LDWRVQSKDW[Pro210Arg]HAGRPAHELR

ClinVar aggregate classification (germline): Uncertain significance (1 of 4 stars; one submission).

Submission:

Labcorp Genetics (formerly Invitae), Labcorp
Classification: Uncertain significance. Last evaluated: 2023-09-30. Review status: criteria provided, single submitter. Criteria: Invitae Variant Classification Sherloc (09022015). Collection method: clinical testing. Allele origin: germline.
Comment: In summary, the available evidence is currently insufficient to determine the role of this variant in disease. Therefore, it has been classified as a Variant of Uncertain Significance. An algorithm developed to predict the effect of missense changes on protein structure and function (PolyPhen-2) suggests that this variant is likely to be disruptive. This variant has not been reported in the literature in individuals affected with TSEN34-related conditions. This variant is not present in population databases (gnomAD no frequency). This sequence change replaces proline, which is neutral and non-polar, with arginine, which is basic and polar, at codon 210 of the TSEN34 protein (p.Pro210Arg).